The following is an entry in ClinVar:

NM_000169.3(GLA):c.74A>G (p.Asp25Gly)

Genes: GLA (galactosidase alpha; minus strand), RPL36A-HNRNPH2 (RPL36A-HNRNPH2 readthrough; plus strand). Cytogenetic location: Xq22.1.
Variant type: single nucleotide variant.
Coding change: c.74A>G on transcript NM_000169.3 (MANE Select); coding-DNA position 74, A replaced by G.
Protein change: p.Asp25Gly; replaces aspartic acid 25 with glycine.
Molecular consequence: missense variant. On other transcripts: non-coding transcript variant (3), intron variant (2).
Genome position (GRCh38, 1-based): chrX:101,407,830, T>C on the plus strand (A>G on the coding strand, the complement: GLA is on the minus strand). VCF-style: chrX-101407830-T-C. GRCh37 (hg19) VCF-style: chrX-100662818-T-C.
Other names: c.74A>G, p.Asp25Gly (NM_001406747.1, NM_001406748.1, NM_001406749.1); c.301-4106T>C (NM_001199973.2); c.178-4106T>C (NM_001199974.2); short protein forms D25G.
Identifiers: ClinVar variation 3074947 (VCV003074947.3), dbSNP rs1336588430, ClinGen allele CA413937566.

ClinVar aggregate classification (germline): Uncertain significance. Review status: criteria provided, multiple submitters, no conflicts (2 of 4 stars). 2 submissions from 2 submitters: Uncertain significance (2). Last evaluated 2024-05-01.

Conditions:
Fabry disease. Also called: Fabry's disease; ALPHA-GALACTOSIDASE A DEFICIENCY; ANDERSON-FABRY DISEASE; CERAMIDE TRIHEXOSIDASE DEFICIENCY; GLA DEFICIENCY; HEREDITARY DYSTOPIC LIPIDOSIS. Identifiers: Orphanet 324, MedGen C0002986, MONDO:0010526, OMIM 301500, HP:0001071. Disease mechanism: Fabry disease is due to inactivating mutations in the X-linked GLA gene resulting in deficiency of the enzyme Alpha Galactosidase-A., loss of function.

Allele frequency attached by ClinVar (database versions not stated): gnomAD exomes below 0.00001.

Submissions (2):

Labcorp Genetics (formerly Invitae), Labcorp
Classification: Uncertain significance for Fabry disease. Last evaluated: 2024-05-01. Review status: criteria provided, single submitter. Criteria: Invitae Variant Classification Sherloc (09022015). Collection method: clinical testing. Allele origin: germline.
Comment: This sequence change replaces aspartic acid, which is acidic and polar, with glycine, which is neutral and non-polar, at codon 25 of the GLA protein (p.Asp25Gly). This variant is not present in population databases (gnomAD no frequency). This variant has not been reported in the literature in individuals affected with GLA-related conditions. Advanced modeling of protein sequence and biophysical properties (such as structural, functional, and spatial information, amino acid conservation, physicochemical variation, residue mobility, and thermodynamic stability) performed at Invitae indicates that this missense variant is not expected to disrupt GLA protein function with a negative predictive value of 95%. In summary, the available evidence is currently insufficient to determine the role of this variant in disease. Therefore, it has been classified as a Variant of Uncertain Significance.

All of Us Research Program, National Institutes of Health
Classification: Uncertain significance for Fabry disease. Last evaluated: 2024-01-11. Review status: criteria provided, single submitter. Criteria: ACMG Guidelines, 2015. Collection method: clinical testing. Allele origin: germline. Inheritance: X-linked inheritance. Observed: 1 variant allele, 1 heterozygote.
Comment: This study involves interpretation of variants in research participants for the purpose of population health screening. Participant phenotype was not available at the time of variant classification. Additional details can be found in publication PMID: 35346344, PMCID: PMC8962531